The following is an entry in ClinVar:

NM_000552.5(VWF):c.2987G>A (p.Cys996Tyr)

Gene: VWF (von Willebrand factor; minus strand). Cytogenetic location: 12p13.31.
Variant type: single nucleotide variant.
Coding change: c.2987G>A on transcript NM_000552.5 (MANE Select); coding-DNA position 2987, G replaced by A.
Protein change: p.Cys996Tyr; replaces cysteine 996 with tyrosine.
Molecular consequence: missense variant.
Genome position (GRCh38, 1-based): chr12:6,026,027, C>T on the plus strand (G>A on the coding strand, the complement: VWF is on the minus strand). VCF-style: chr12-6026027-C-T. GRCh37 (hg19) VCF-style: chr12-6135193-C-T.
Other names: short protein forms C996Y.
Identifiers: ClinVar variation 4685884 (VCV004685884.1).

ClinVar aggregate classification (germline): Uncertain significance (1 of 4 stars; one submission).

Submission:

ARUP Laboratories, Molecular Genetics and Genomics, ARUP Laboratories
Classification: Uncertain significance. Last evaluated: 2025-06-13. Review status: criteria provided, single submitter. Criteria: ARUP Molecular Germline Variant Investigation Process 2024. Collection method: clinical testing. Allele origin: germline.
Comment: The VWF c.2987G>A; p.Cys996Tyr variant, to our knowledge, is not reported in the medical literature or gene specific databases. This variant is also absent from the Genome Aggregation Database (v2.1.1), indicating it is not a common polymorphism. Computational analyses predict that this variant is deleterious (REVEL: 0.906). However, given the lack of clinical and functional data, the significance of this variant is uncertain at this time.